The following is an entry in ClinVar:

NM_001379081.2(FREM1):c.4801C>A (p.Gln1601Lys)

Gene: FREM1 (FRAS1 related extracellular matrix 1; minus strand). Cytogenetic location: 9p22.3.
Variant type: single nucleotide variant.
Coding change: c.4801C>A on transcript NM_001379081.2 (MANE Select); coding-DNA position 4801, C replaced by A.
Protein change: p.Gln1601Lys; replaces glutamine 1601 with lysine.
Molecular consequence: missense variant. On other transcripts: non-coding transcript variant (2).
Genome position (GRCh38, 1-based): chr9:14,775,845, G>T on the plus strand (C>A on the coding strand, the complement: FREM1 is on the minus strand). VCF-style: chr9-14775845-G-T. GRCh37 (hg19) VCF-style: chr9-14775843-G-T.
Other names: c.409C>A, p.Gln137Lys (NM_001177704.3, NM_001370058.2, NM_001370061.2); c.4801C>A, p.Gln1601Lys (NM_144966.7); short protein forms Q1601K, Q137K.
Identifiers: ClinVar variation 764758 (VCV000764758.7), dbSNP rs550726565, ClinGen allele CA4990064.

ClinVar aggregate classification (germline): Conflicting classifications of pathogenicity. Review status: criteria provided, conflicting classifications (1 of 4 stars). 3 submissions from 3 submitters: Uncertain significance (2); Likely benign (1). Last evaluated 2025-08-19.

Conditions:
Inborn genetic diseases. Identifiers: MedGen C0950123, MeSH D030342.
FREM1-related disorder. Also called: FREM1-Related Disorders; FREM1-related condition.

Allele frequency attached by ClinVar (database versions not stated): gnomAD 0.00001 and 0.00005; TOPMed 0.00001; ExAC 0.00007; gnomAD exomes 0.00008; 1000 Genomes Project 30x 0.00031; 1000 Genomes Project 0.00040.
gnomAD v4.1: 81 of 1,613,658 alleles (0.005%); highest among the groups gnomAD compares: South Asian, 0.072%; 2 homozygotes.

Submissions (3):

Labcorp Genetics (formerly Invitae), Labcorp
Classification: Likely benign. Last evaluated: 2025-08-19. Review status: criteria provided, single submitter. Criteria: Invitae Variant Classification Sherloc (09022015). Collection method: clinical testing. Allele origin: germline.

Ambry Genetics
Classification: Uncertain significance for Inborn genetic diseases. Last evaluated: 2024-11-10. Review status: criteria provided, single submitter. Criteria: Ambry Variant Classification Scheme 2023. Collection method: clinical testing. Allele origin: germline.

PreventionGenetics, part of Exact Sciences
Classification: Uncertain significance for FREM1-related condition. Last evaluated: 2023-05-12. Review status: criteria provided, single submitter. Criteria: ACMG Guidelines, 2015. Collection method: clinical testing. Allele origin: germline.
Comment: The FREM1 c.4801C>A variant is predicted to result in the amino acid substitution p.Gln1601Lys. To our knowledge, this variant has not been reported in the literature. This variant is reported in 0.049% of alleles in individuals of South Asian descent in gnomAD, including one homozygote. Although we suspect that this variant may be benign, at this time, the clinical significance of this variant is uncertain due to the absence of conclusive functional and genetic evidence.